The following is an entry in ClinVar:

NM_001009944.3(PKD1):c.3867G>A (p.Val1289=)

Gene: PKD1 (polycystin 1, transient receptor potential channel interacting; minus strand). Cytogenetic location: 16p13.3.
Variant type: single nucleotide variant.
Coding change: c.3867G>A on transcript NM_001009944.3 (MANE Select); coding-DNA position 3867, G replaced by A.
Protein change: p.Val1289=; no amino-acid change (valine 1289 retained).
Molecular consequence: synonymous variant.
Genome position (GRCh38, 1-based): chr16:2,111,300, C>T on the plus strand (G>A on the coding strand, the complement: PKD1 is on the minus strand). VCF-style: chr16-2111300-C-T. GRCh37 (hg19) VCF-style: chr16-2161301-C-T.
Other names: c.3867G>A, p.Val1289= (NM_000296.4).
Identifiers: ClinVar variation 3040713 (VCV003040713.2), dbSNP rs764853160, ClinGen allele CA7832607.

ClinVar aggregate classification (germline): Likely benign (0 of 4 stars; one submission).

Conditions:
PKD1-related disorder. Also called: PKD1-related condition.

Allele frequency attached by ClinVar (database versions not stated): ExAC 0.00001; gnomAD exomes 0.00001.
gnomAD v4.1: 16 of 1,609,238 alleles (0.00099%); highest among the groups gnomAD compares: Non-Finnish European, 0.0013%; no homozygotes.

Submission:

PreventionGenetics, part of Exact Sciences
Classification: Likely benign for PKD1-related condition. Last evaluated: 2019-09-19. Review status: no assertion criteria provided. Collection method: clinical testing. Allele origin: germline.
Comment: This variant is classified as likely benign based on ACMG/AMP sequence variant interpretation guidelines (Richards et al. 2015 PMID: 25741868, with internal and published modifications).